The following is an entry in ClinVar:

ClinVar aggregate classification (germline): Uncertain significance. Review status: criteria provided, multiple submitters, no conflicts (2 of 4 stars). 2 submissions from 2 submitters: Uncertain significance (2). Last evaluated 2023-04-28.

Conditions:
Inborn genetic diseases. Identifiers: MedGen C0950123, MeSH D030342.

Allele frequency attached by ClinVar (database versions not stated): gnomAD 0.00001; ExAC 0.00003; gnomAD exomes 0.00003; TOPMed 0.00004.
gnomAD v4.1: 14 of 1,614,062 alleles (0.00087%); highest among the groups gnomAD compares: Admixed American, 0.01%; no homozygotes.

Submissions (2):

Ambry Genetics
Classification: Uncertain significance for Inborn genetic diseases. Last evaluated: 2023-04-28. Review status: criteria provided, single submitter. Criteria: Ambry Variant Classification Scheme 2023. Collection method: clinical testing. Allele origin: germline.

Labcorp Genetics (formerly Invitae), Labcorp
Classification: Uncertain significance. Last evaluated: 2022-08-23. Review status: criteria provided, single submitter. Criteria: Invitae Variant Classification Sherloc (09022015). Collection method: clinical testing. Allele origin: germline.
Comment: ClinVar contains an entry for this variant (Variation ID: 1425026). In summary, the available evidence is currently insufficient to determine the role of this variant in disease. Therefore, it has been classified as a Variant of Uncertain Significance. Algorithms developed to predict the effect of missense changes on protein structure and function are either unavailable or do not agree on the potential impact of this missense change (SIFT: "Not Available"; PolyPhen-2: "Possibly Damaging"; Align-GVGD: "Not Available"). This variant has not been reported in the literature in individuals affected with ANK3-related conditions. This variant is present in population databases (rs755310927, gnomAD 0.02%). This sequence change replaces arginine, which is basic and polar, with glutamine, which is neutral and polar, at codon 709 of the ANK3 protein (p.Arg709Gln).

NM_020987.5(ANK3):c.2126G>A (p.Arg709Gln)

Gene: ANK3 (ankyrin 3; minus strand). Cytogenetic location: 10q21.2.
Variant type: single nucleotide variant.
Coding change: c.2126G>A on transcript NM_020987.5 (MANE Select); coding-DNA position 2126, G replaced by A.
Protein change: p.Arg709Gln; replaces arginine 709 with glutamine.
Molecular consequence: missense variant.
Genome position (GRCh38, 1-based): chr10:60,181,387, C>T on the plus strand (G>A on the coding strand, the complement: ANK3 is on the minus strand). VCF-style: chr10-60181387-C-T. GRCh37 (hg19) VCF-style: chr10-61941145-C-T.
Other names: c.2108G>A, p.Arg703Gln (NM_001204403.2); c.2075G>A, p.Arg692Gln (NM_001204404.2); c.2126G>A, p.Arg709Gln (NM_001320874.2); c.2126G>A (NM_020987.3); short protein forms R692Q, R703Q, R709Q.
Identifiers: ClinVar variation 1425026 (VCV001425026.7), dbSNP rs755310927, ClinGen allele CA5512926.